The following is an entry in ClinVar:

NM_001042492.3(NF1):c.4684C>T (p.Leu1562Phe)

Gene: NF1 (neurofibromin 1; plus strand). Cytogenetic location: 17q11.2.
Variant type: single nucleotide variant.
Coding change: c.4684C>T on transcript NM_001042492.3 (MANE Select); coding-DNA position 4684, C replaced by T.
Protein change: p.Leu1562Phe; replaces leucine 1562 with phenylalanine.
Molecular consequence: missense variant.
Genome position (GRCh38, 1-based): chr17:31,261,817, C>T. VCF-style: chr17-31261817-C-T. GRCh37 (hg19) VCF-style: chr17-29588835-C-T.
Other names: c.4621C>T, p.Leu1541Phe (NM_000267.4); short protein forms L1541F, L1562F.
Identifiers: ClinVar variation 3003183 (VCV003003183.4), dbSNP rs2508430476, ClinGen allele CA399000512.

ClinVar aggregate classification (germline): Uncertain significance. Review status: criteria provided, multiple submitters, no conflicts (2 of 4 stars). 2 submissions from 2 submitters: Uncertain significance (2). Last evaluated 2026-06-26.

Conditions:
Neurofibromatosis, type 1 (NF1). Also called: Peripheral type neurofibromatosis; Neurofibromatosis, type I; VON RECKLINGHAUSEN DISEASE; NEUROFIBROMATOSIS, TYPE I, SOMATIC. Identifiers: Orphanet 636, MedGen C0027831, MONDO:0018975, OMIM 162200. Disease mechanism: loss of function.
Cardiovascular phenotype. Identifiers: MedGen CN230736.
Hereditary cancer-predisposing syndrome. Also called: Hereditary Cancer Syndrome; Hereditary neoplastic syndrome; Neoplastic Syndromes, Hereditary; Tumor predisposition. Identifiers: Orphanet 140162, MedGen C0027672, MeSH D009386, MONDO:0015356.

Submissions (2):

Ambry Genetics
Classification: Uncertain significance for Cardiovascular phenotype; Hereditary cancer-predisposing syndrome. Last evaluated: 2026-06-26. Review status: criteria provided, single submitter. Criteria: Ambry Variant Classification Scheme 2023. Collection method: clinical testing. Allele origin: germline.
Comment: The p.L1541F variant (also known as c.4621C>T), located in coding exon 34 of the NF1 gene, results from a C to T substitution at nucleotide position 4621. The leucine at codon 1541 is replaced by phenylalanine, an amino acid with highly similar properties. This amino acid position is highly conserved in available vertebrate species. In addition, this alteration is predicted to be tolerated by in silico analysis. Based on the available evidence, the clinical significance of this variant remains unclear.

Labcorp Genetics (formerly Invitae), Labcorp
Classification: Uncertain significance for Neurofibromatosis, type 1. Last evaluated: 2023-10-19. Review status: criteria provided, single submitter. Criteria: Invitae Variant Classification Sherloc (09022015). Collection method: clinical testing. Allele origin: germline.
Comment: This sequence change replaces leucine, which is neutral and non-polar, with phenylalanine, which is neutral and non-polar, at codon 1541 of the NF1 protein (p.Leu1541Phe). This variant is not present in population databases (gnomAD no frequency). This variant has not been reported in the literature in individuals affected with NF1-related conditions. Advanced modeling of protein sequence and biophysical properties (such as structural, functional, and spatial information, amino acid conservation, physicochemical variation, residue mobility, and thermodynamic stability) performed at Invitae indicates that this missense variant is not expected to disrupt NF1 protein function with a negative predictive value of 95%. In summary, the available evidence is currently insufficient to determine the role of this variant in disease. Therefore, it has been classified as a Variant of Uncertain Significance.